The following is an entry in ClinVar:

Conditions:
Breast-ovarian cancer, familial, susceptibility to, 1 (BROVCA1). Also called: BRCA1 Hereditary Breast and Ovarian Cancer; OVARIAN CANCER, SUSCEPTIBILITY TO. Identifiers: Orphanet 145, MedGen C2676676, MONDO:0011450, OMIM 604370. Disease mechanism: loss of function.

Submission:

Brotman Baty Institute, University of Washington
No classification provided (evidence only). Condition: Breast-ovarian cancer, familial 1. Review status: no classification provided. Collection method: in vitro. Allele origin: not applicable. Functional consequence: functionally_normal.
ClinVar note: "not provided" was previously submitted as the classification for the variant. However, the classification appeared to be based only on an observation of functional data so it was converted to no classification on 2025-07-30.

NM_007294.4(BRCA1):c.5082G>C (p.Glu1694Asp)

Gene: BRCA1 (BRCA1 DNA repair associated; minus strand). Cytogenetic location: 17q21.31.
Variant type: single nucleotide variant.
Coding change: c.5082G>C on transcript NM_007294.4 (MANE Select); coding-DNA position 5082, G replaced by C.
Protein change: p.Glu1694Asp; replaces glutamic acid 1694 with aspartic acid.
Molecular consequence: missense variant. On other transcripts: non-coding transcript variant (1).
Genome position (GRCh38, 1-based): chr17:43,063,944, C>G on the plus strand (G>C on the coding strand, the complement: BRCA1 is on the minus strand). VCF-style: chr17-43063944-C-G. GRCh37 (hg19) VCF-style: chr17-41215961-C-G.
Other names: c.4935G>C, p.Glu1645Asp (NM_001407851.1, NM_001407852.1, NM_001407853.1 and 12 more transcripts); c.5082G>C, p.Glu1694Asp (NM_001407854.1, NM_001407593.1, NM_001407594.1 and 7 more transcripts); c.4872G>C, p.Glu1624Asp (NM_001407884.1, NM_001407885.1, NM_001407886.1 and 5 more transcripts); c.4869G>C, p.Glu1623Asp (NM_001407894.1, NM_001407895.1, NM_001407896.1 and 12 more transcripts); c.4866G>C, p.Glu1622Asp (NM_001407915.1, NM_001407916.1, NM_001407917.1 and 1 more transcripts); c.4959G>C, p.Glu1653Asp (NM_001407919.1, NM_001407937.1, NM_001407938.1 and 6 more transcripts); c.4818G>C, p.Glu1606Asp (NM_001407920.1, NM_001407921.1, NM_001407922.1 and 4 more transcripts); c.4812G>C, p.Glu1604Asp (NM_001407934.1, NM_001407935.1, NM_001407936.1); and 71 more; short protein forms E1715D, E1647D, E590D, E1694D, E1565D, E1604D, E1606D, E1624D.
Identifiers: ClinVar variation 868621 (VCV000868621.3), dbSNP rs2051934604, ClinGen allele CA10591359.
Genomic context (GRCh38, chr17:43,063,944, plus strand): 5'-AACTACCCATTTTCCTCCCGCAATTCCTAGAAAATATTTCAGTGTCCGTTCACACACAAA[C>G]TCAGCATCTGCAGAATGAAAAACACTCAAAGGATTAGAAGTTGAAAACAAAATCAGGAAG-3'
Protein context (NP_009225.1, residues 1684-1704): TTHVVMKTDA[Glu1694Asp]FVCERTLKYF